The following is an entry in ClinVar:

NM_004304.5(ALK):c.661G>C (p.Gly221Arg)

Gene: ALK (ALK receptor tyrosine kinase; minus strand). Cytogenetic location: 2p23.1.
Variant type: single nucleotide variant.
Coding change: c.661G>C on transcript NM_004304.5 (MANE Select); coding-DNA position 661, G replaced by C.
Protein change: p.Gly221Arg; replaces glycine 221 with arginine.
Molecular consequence: missense variant.
Genome position (GRCh38, 1-based): chr2:29,919,999, C>G on the plus strand (G>C on the coding strand, the complement: ALK is on the minus strand). VCF-style: chr2-29919999-C-G. GRCh37 (hg19) VCF-style: chr2-30142865-C-G.
Other names: short protein forms G221R.
Identifiers: ClinVar variation 470893 (VCV000470893.18), dbSNP rs199584443, ClinGen allele CA1594926.
Genomic context (GRCh38, chr2:29,919,999, plus strand): 5'-ATCAATGTGACTAAAAACACTAAATCCCGGCACACTCAGGCGGGAGCTGCTCACCAGTCC[C>G]GAAGATCTGGAAGAGAAGGCGGGGCTGGGAGGCGCGAATTGCCGCGGACAGCCTTCCCTC-3'
Protein context (NP_004295.2, residues 211-231): SQPRLLFQIF[Gly221Arg]TGHSSLESPT

ClinVar aggregate classification (germline): Conflicting classifications of pathogenicity. Review status: criteria provided, conflicting classifications (1 of 4 stars). 5 submissions from 5 submitters: Uncertain significance (4); Benign (1). Last evaluated 2026-02-04.

Conditions:
Hereditary cancer-predisposing syndrome. Also called: Hereditary neoplastic syndrome; Neoplastic Syndromes, Hereditary; Tumor predisposition; Hereditary Cancer Syndrome. Identifiers: Orphanet 140162, MedGen C0027672, MeSH D009386, MONDO:0015356.
Neuroblastoma, susceptibility to, 3. Also called: ALK-Related Neuroblastic Tumor Susceptibility. Identifiers: Orphanet 635, MedGen C2751681, MONDO:0013083, OMIM 613014.

Allele frequency attached by ClinVar (database versions not stated): TOPMed 0.00009; gnomAD 0.00011 and 0.00013; gnomAD exomes 0.00013 and 0.00016; ESP Exome Variant Server 0.00015; 1000 Genomes Project 30x 0.00016; ExAC 0.00018; 1000 Genomes Project 0.00020.
gnomAD v4.1: 206 of 1,613,720 alleles (0.013%); highest among the groups gnomAD compares: South Asian, 0.048%; no homozygotes.

Submissions (5):

Labcorp Genetics (formerly Invitae), Labcorp
Classification: Uncertain significance for Neuroblastoma, susceptibility to, 3. Last evaluated: 2026-02-04. Review status: criteria provided, single submitter. Criteria: Invitae Variant Classification Sherloc (09022015). Collection method: clinical testing. Allele origin: germline.
Comment: This sequence change replaces glycine, which is neutral and non-polar, with arginine, which is basic and polar, at codon 221 of the ALK protein (p.Gly221Arg). This variant is present in population databases (rs199584443, gnomAD 0.06%), and has an allele count higher than expected for a pathogenic variant. This variant has not been reported in the literature in individuals affected with ALK-related conditions. ClinVar contains an entry for this variant (Variation ID: 470893). An algorithm developed to predict the effect of missense changes on protein structure and function outputs the following: PolyPhen-2: "Benign". The arginine amino acid residue is found in multiple mammalian species, which suggests that this missense change does not adversely affect protein function. In summary, the available evidence is currently insufficient to determine the role of this variant in disease. Therefore, it has been classified as a Variant of Uncertain Significance.

Ambry Genetics
Classification: Benign for Hereditary cancer-predisposing syndrome. Last evaluated: 2024-06-25. Review status: criteria provided, single submitter. Criteria: Ambry Variant Classification Scheme 2023. Collection method: clinical testing. Allele origin: germline.

GeneDx
Classification: Uncertain significance. Last evaluated: 2024-04-03. Review status: criteria provided, single submitter. Criteria: GeneDx Variant Classification Process June 2021. Collection method: clinical testing. Allele origin: germline. Affected: yes.
Comment: In silico analysis supports that this missense variant does not alter protein structure/function; Has not been previously published as pathogenic or benign to our knowledge; This variant is associated with the following publications: (PMID: 25054154)

Baylor Genetics
Classification: Uncertain significance for Neuroblastoma, susceptibility to, 3. Last evaluated: 2024-02-17. Review status: criteria provided, single submitter. Criteria: ACMG Guidelines, 2015. Collection method: clinical testing. Allele origin: unknown.

Sema4
Classification: Uncertain significance for Hereditary cancer-predisposing syndrome. Last evaluated: 2021-07-27. Review status: criteria provided, single submitter. Criteria: Sema4 Curation Guidelines. Collection method: curation. Allele origin: germline.
Comment: The ALK c.661G>C (p.G221R) variant has not been reported in literature to our knowledge. This variant was observed in 17/30598 chromosomes of the South Asian population in the large and broad cohorts of the Genome Aggregation Database (PMID: 32461654). The subpopulation frequency of this variant is higher than expected for a pathogenic variant based on disease/syndrome prevalence and penetrance. This variant has been reported in ClinVar (Variation ID 470893). In silico tools suggest the impact of the variant on protein function is benign, and in silico analyses utilizing prediction methods, molecular docking, and molecular dynamics simulation approaches predict the variant to be neutral (PMID 25054154). There is no indication that this variant causes disease, but the evidence is insufficient currently to prove that conclusively. The evidence is insufficient to meet ACMG/AMP criteria for classifying the variant as benign or pathogenic. Thus, the clinical significance of this variant is currently uncertain.

Literature cited by the submitters: PubMed 25054154 (cited by Sema4).